The following is an entry in ClinVar:

ClinVar aggregate classification (germline): Uncertain significance (1 of 4 stars; one submission).

gnomAD v4.1: 3 of 1,567,874 alleles (0.00019%); highest among the groups gnomAD compares: Non-Finnish European, 0.00026%; no homozygotes.

Submission:

Labcorp Genetics (formerly Invitae), Labcorp
Classification: Uncertain significance. Last evaluated: 2025-01-08. Review status: criteria provided, single submitter. Criteria: Invitae Variant Classification Sherloc (09022015). Collection method: clinical testing. Allele origin: germline.
Comment: This sequence change replaces leucine, which is neutral and non-polar, with phenylalanine, which is neutral and non-polar, at codon 783 of the INTU protein (p.Leu783Phe). This variant is not present in population databases (gnomAD no frequency). This variant has not been reported in the literature in individuals affected with INTU-related conditions. Invitae Evidence Modeling of protein sequence and biophysical properties (such as structural, functional, and spatial information, amino acid conservation, physicochemical variation, residue mobility, and thermodynamic stability) indicates that this missense variant is not expected to disrupt INTU protein function with a negative predictive value of 80%. In summary, the available evidence is currently insufficient to determine the role of this variant in disease. Therefore, it has been classified as a Variant of Uncertain Significance.

NM_015693.4(INTU):c.2349A>C (p.Leu783Phe)

Genes: INTU (inturned planar cell polarity protein; plus strand), LOC123480930 (P300/CBP strongly-dependent group 1 enhancer GRCh37_chr4:128629462-128630661; plus strand). Cytogenetic location: 4q28.1.
Variant type: single nucleotide variant.
Coding change: c.2349A>C on transcript NM_015693.4 (MANE Select); coding-DNA position 2349, A replaced by C.
Protein change: p.Leu783Phe; replaces leucine 783 with phenylalanine.
Molecular consequence: missense variant.
Genome position (GRCh38, 1-based): chr4:127,708,648, A>C. VCF-style: chr4-127708648-A-C. GRCh37 (hg19) VCF-style: chr4-128629803-A-C.
Other names: short protein forms L783F.
Identifiers: ClinVar variation 3681284 (VCV003681284.2).